The following is an entry in ClinVar:

NM_001267550.2(TTN):c.49700C>G (p.Ser16567Ter)

Genes: TTN (titin; minus strand), TTN-AS1 (TTN antisense RNA 1; plus strand). Cytogenetic location: 2q31.2.
Variant type: single nucleotide variant.
Coding change: c.49700C>G on transcript NM_001267550.2 (MANE Select); coding-DNA position 49700, C replaced by G.
Protein change: p.Ser16567Ter; replaces serine 16567 with a stop codon.
Molecular consequence: nonsense.
Genome position (GRCh38, 1-based): chr2:178,613,021, G>C on the plus strand (C>G on the coding strand, the complement: TTN is on the minus strand). VCF-style: chr2-178613021-G-C. GRCh37 (hg19) VCF-style: chr2-179477748-G-C.
Other names: c.44777C>G, p.Ser14926Ter (NM_001256850.1); c.22505C>G, p.Ser7502Ter (NM_003319.4); c.41996C>G, p.Ser13999Ter (NM_133378.4); c.22880C>G, p.Ser7627Ter (NM_133432.3); c.23081C>G, p.Ser7694Ter (NM_133437.4); short protein forms S14926*, S16567*, S13999*, S7627*, S7694*, S7502*.
Identifiers: ClinVar variation 489208 (VCV000489208.2), dbSNP rs1553699802, ClinGen allele CA349601418.
Genomic context (GRCh38, chr2:178,613,021, plus strand): 5'-ACATAAGACTCAATCTTTGCACCTCCATCATGTTCTGGTTTTGTCCAATTCAACCTTACT[G>C]ATGTTTTGCCTACATCTTTTACAGTTGGTTTTCCAGGGGGCCATGGAGGATCTGCAAGCC-3'

ClinVar aggregate classification (germline): Likely pathogenic (1 of 4 stars; one submission).

Submission:

GeneDx
Classification: Likely pathogenic. Last evaluated: 2017-12-07. Review status: criteria provided, single submitter. Criteria: GeneDx Variant Classification (06012015). Collection method: clinical testing. Allele origin: germline. Affected: yes.
Comment: The S14926X variant in the TTN gene has not been reported as a pathogenic or benign to our knowledge. S14926X is predicted to cause loss of normal protein function either by protein truncation or nonsense-mediated mRNA decay. Other truncating TTN variants have been reported in approximately 3% of control alleles (Herman et al., 2012). However, S14926X is located in the A-band region of titin, where the majority of truncating pathogenic variants associated with DCM have been reported (Herman et al., 2012). Furthermore, the S14926X variant is not observed in large population cohorts (Lek et al., 2016).